The following is an entry in ClinVar:

NC_000003.12:g.169764898C>G

Genes: TERC (telomerase RNA component; minus strand), LOC110806306 (telomerase RNA component (TERC) promoter; plus strand). Cytogenetic location: 3q26.2.
Variant type: single nucleotide variant.
Genome position: GRCh38 VCF-style: chr3-169764898-C-G. GRCh37 (hg19) VCF-style: chr3-169482686-C-G.
Identifiers: ClinVar variation 2146291 (VCV002146291.4), dbSNP rs758748876, ClinGen allele CA436715576.
Genomic context (GRCh38, chr3:169,764,898, plus strand): 5'-GACCCGCCGCAGGTCCCCGGGAGGGGCGAACGGGCCAGCAGCTGACATTTTTTGTTTGCT[C>G]TAGAATGAACGGTGGAAGGCGGCAGGCCGAGGCTTTTCCGCCCGCTGAAAGTCAGCGAGA-3'

ClinVar aggregate classification (germline): Uncertain significance (1 of 4 stars; one submission).

Conditions:
Dyskeratosis congenita, autosomal dominant 1 (DKCA1). Also called: Dyskeratosis congenita Scoggins type. Identifiers: Orphanet 1775, MedGen C4551974, MONDO:0007485, OMIM 127550. Inheritance: Variable.

Submission:

Labcorp Genetics (formerly Invitae), Labcorp
Classification: Uncertain significance for Dyskeratosis congenita, autosomal dominant 1. Last evaluated: 2022-06-19. Review status: criteria provided, single submitter. Criteria: Invitae Variant Classification Sherloc (09022015). Collection method: clinical testing. Allele origin: germline.
Comment: This variant has not been reported in the literature in individuals affected with TERC-related conditions. This variant is located within the template/pseudoknot domain of the TERC RNA component, which is required for RNA or RNP stability (PMID: 15082312, 21844345). In summary, the available evidence is currently insufficient to determine the role of this variant in disease. Therefore, it has been classified as a Variant of Uncertain Significance. This variant is located in a region of TERC in which a significant number of disease causing variants have been reported (PMID: 15082312, 21844345, 21931702). These observations suggest that this may be a clinically significant region. Algorithms developed to predict the effect of sequence changes on RNA splicing suggest that this variant may disrupt the consensus splice site. This variant is not present in population databases (gnomAD no frequency). This variant occurs in the TERC gene, which encodes an RNA molecule that does not result in a protein product.

Literature cited by the submitters: PubMed 15082312; PubMed 21844345; PubMed 21931702.